The following is an entry in ClinVar:

NM_001098.3(ACO2):c.2026C>G (p.Leu676Val)

Genes: ACO2 (aconitase 2; plus strand), POLR3H (RNA polymerase III subunit H; minus strand). Cytogenetic location: 22q13.2.
Variant type: single nucleotide variant.
Coding change: c.2026C>G on transcript NM_001098.3 (MANE Select); coding-DNA position 2026, C replaced by G.
Protein change: p.Leu676Val; replaces leucine 676 with valine.
Molecular consequence: missense variant. On other transcripts: 3 prime UTR variant (5).
Genome position (GRCh38, 1-based): chr22:41,527,360, C>G. VCF-style: chr22-41527360-C-G. GRCh37 (hg19) VCF-style: chr22-41923364-C-G.
Other names: c.*1923G>C (NM_001018050.4, NM_001018052.4, NM_001282884.2 and 2 more transcripts); short protein forms L676V.
Identifiers: ClinVar variation 587436 (VCV000587436.5), dbSNP rs1569025557, ClinGen allele CA411728945.
Genomic context (GRCh38, chr22:41,527,360, plus strand): 5'-AGGTGGGTGGTGATCGGAGACGAGAACTACGGCGAGGGCTCGAGCCGGGAGCATGCAGCT[C>G]TGGAGCCTCGCCACCTTGGGGGCCGGGCCATCATCACCAAGAGCTTTGCCAGGATCCACG-3'
Protein context (NP_001089.1, residues 666-686): GEGSSREHAA[Leu676Val]EPRHLGGRAI

ClinVar aggregate classification (germline): Uncertain significance. Review status: criteria provided, multiple submitters, no conflicts (2 of 4 stars). 2 submissions from 2 submitters: Uncertain significance (2). Last evaluated 2025-04-07.

Conditions:
Infantile cerebellar-retinal degeneration (ICRD). Identifiers: Orphanet 313850, MedGen C3281192, MONDO:0013802, OMIM 614559.

Submissions (2):

Labcorp Genetics (formerly Invitae), Labcorp
Classification: Uncertain significance. Last evaluated: 2025-04-07. Review status: criteria provided, single submitter. Criteria: Invitae Variant Classification Sherloc (09022015). Collection method: clinical testing. Allele origin: germline.
Comment: This sequence change replaces leucine, which is neutral and non-polar, with valine, which is neutral and non-polar, at codon 676 of the ACO2 protein (p.Leu676Val). This variant is not present in population databases (gnomAD no frequency). This variant has not been reported in the literature in individuals affected with ACO2-related conditions. ClinVar contains an entry for this variant (Variation ID: 587436). Invitae Evidence Modeling of protein sequence and biophysical properties (such as structural, functional, and spatial information, amino acid conservation, physicochemical variation, residue mobility, and thermodynamic stability) indicates that this missense variant is expected to disrupt ACO2 protein function with a positive predictive value of 80%. In summary, the available evidence is currently insufficient to determine the role of this variant in disease. Therefore, it has been classified as a Variant of Uncertain Significance.

Genomic Research Center, Shahid Beheshti University of Medical Sciences
Classification: Uncertain significance for Infantile cerebellar-retinal degeneration. Last evaluated: 2018-08-07. Review status: criteria provided, single submitter. Criteria: ACMG Guidelines, 2015. Collection method: clinical testing. Allele origin: inherited. Affected: yes. Observed: 1 variant allele.